The following is an entry in ClinVar:

NM_001040108.2(MLH3):c.2641A>G (p.Lys881Glu)

Gene: MLH3 (mutL homolog 3; minus strand). Cytogenetic location: 14q24.3.
Variant type: single nucleotide variant.
Coding change: c.2641A>G on transcript NM_001040108.2 (MANE Select); coding-DNA position 2641, A replaced by G.
Protein change: p.Lys881Glu; replaces lysine 881 with glutamic acid.
Molecular consequence: missense variant.
Genome position (GRCh38, 1-based): chr14:75,047,015, T>C on the plus strand (A>G on the coding strand, the complement: MLH3 is on the minus strand). VCF-style: chr14-75047015-T-C. GRCh37 (hg19) VCF-style: chr14-75513718-T-C.
Other names: c.2641A>G, p.Lys881Glu (NM_014381.3); short protein forms K881E.
Identifiers: ClinVar variation 4108634 (VCV004108634.1).

ClinVar aggregate classification (germline): Uncertain significance (1 of 4 stars; one submission).

Submission:

Ambry Genetics
Classification: Uncertain significance. Last evaluated: 2025-07-10. Review status: criteria provided, single submitter. Criteria: Ambry Variant Classification Scheme 2023. Collection method: clinical testing. Allele origin: germline.
Comment: The p.K881E variant (also known as c.2641A>G), located in coding exon 1 of the MLH3 gene, results from an A to G substitution at nucleotide position 2641. The lysine at codon 881 is replaced by glutamic acid, an amino acid with similar properties. This amino acid position is conserved. In addition, the in silico prediction for this alteration is inconclusive. Based on the available evidence, the clinical significance of this variant remains unclear.